The following is an entry in ClinVar:

NM_001287491.2(TET3):c.4148C>A (p.Ser1383Tyr)

Gene: TET3 (tet methylcytosine dioxygenase 3; plus strand). Cytogenetic location: 2p13.1.
Variant type: single nucleotide variant.
Coding change: c.4148C>A on transcript NM_001287491.2 (MANE Select); coding-DNA position 4148, C replaced by A.
Protein change: p.Ser1383Tyr; replaces serine 1383 with tyrosine.
Molecular consequence: missense variant.
Genome position (GRCh38, 1-based): chr2:74,100,936, C>A. VCF-style: chr2-74100936-C-A. GRCh37 (hg19) VCF-style: chr2-74328063-C-A.
Other names: c.3869C>A, p.Ser1290Tyr (NM_001366022.1); short protein forms S1290Y, S1383Y.
Identifiers: ClinVar variation 4995359 (VCV004995359.1).

ClinVar aggregate classification (germline): Uncertain significance (1 of 4 stars; one submission).

Conditions:
TET3-related disorder. Also called: TET3-Related Disease; TET3-related condition.

gnomAD v4.1: 1 of 1,610,822 alleles (0.000062%); no homozygotes.

Submission:

PreventionGenetics, part of Exact Sciences
Classification: Uncertain significance for TET3-related condition. Last evaluated: 2026-02-07. Review status: criteria provided, single submitter. Criteria: ACMG Guidelines, 2015. Collection method: clinical testing. Allele origin: germline.
Comment: The TET3 c.4148C>A variant is predicted to result in the amino acid substitution p.Ser1383Tyr. To our knowledge, this variant has not been reported in the literature. This variant is reported in 0.010% of alleles in individuals of Ashkenazi Jewish descent in gnomAD. At this time, the clinical significance of this variant is uncertain due to the absence of conclusive functional and genetic evidence.